The following is an entry in ClinVar:

ClinVar aggregate classification (germline): Uncertain significance (1 of 4 stars; one submission).

Conditions:
Cardiovascular phenotype. Identifiers: MedGen CN230736.

gnomAD v4.1: 2 of 1,612,224 alleles (0.00012%); highest among the groups gnomAD compares: Non-Finnish European, 0.000085%; no homozygotes.

Submission:

Ambry Genetics
Classification: Uncertain significance for Cardiovascular phenotype. Last evaluated: 2025-09-21. Review status: criteria provided, single submitter. Criteria: Ambry Variant Classification Scheme 2023. Collection method: clinical testing. Allele origin: germline.
Comment: The p.P951S variant (also known as c.2851C>T), located in coding exon 23 of the RASA1 gene, results from a C to T substitution at nucleotide position 2851. The proline at codon 951 is replaced by serine, an amino acid with similar properties. This amino acid position is conserved. In addition, the in silico prediction for this alteration is inconclusive. Based on the available evidence, the clinical significance of this variant remains unclear.

NM_002890.3(RASA1):c.2851C>T (p.Pro951Ser)

Genes: CCNH (cyclin H; minus strand), RASA1 (RAS p21 protein activator 1; plus strand). Cytogenetic location: 5q14.3.
Variant type: single nucleotide variant.
Coding change: c.2851C>T on transcript NM_002890.3 (MANE Select); coding-DNA position 2851, C replaced by T.
Protein change: p.Pro951Ser; replaces proline 951 with serine.
Molecular consequence: missense variant. On other transcripts: intron variant (1).
Genome position (GRCh38, 1-based): chr5:87,386,829, C>T. VCF-style: chr5-87386829-C-T. GRCh37 (hg19) VCF-style: chr5-86682646-C-T.
Other names: c.2320C>T, p.Pro774Ser (NM_022650.3); c.933+8215G>A (NM_001364075.2); short protein forms P951S, P774S.
Identifiers: ClinVar variation 4614808 (VCV004614808.1).
Genomic context (GRCh38, chr5:87,386,829, plus strand): 5'-ATAGATCAAACAGTGGTTTGTTTCTGGTGCATATAACAGAAGCATTTTATTTTTCAGGAG[C>T]CCTACATGGAAGGTGTCAATCCATTCATCAAAAGCAACAAACATCGTATGATCATGTTTT-3'
Protein context (NP_002881.1, residues 941-961): ANLVEFGAKE[Pro951Ser]YMEGVNPFIK